The following is an entry in ClinVar:

NM_004260.4(RECQL4):c.636A>G (p.Leu212=)

Gene: RECQL4 (RecQ like helicase 4; minus strand). Cytogenetic location: 8q24.3.
Variant type: single nucleotide variant.
Coding change: c.636A>G on transcript NM_004260.4 (MANE Select); coding-DNA position 636, A replaced by G.
Protein change: p.Leu212=; no amino-acid change (leucine 212 retained).
Molecular consequence: synonymous variant.
Genome position (GRCh38, 1-based): chr8:144,516,483, T>C on the plus strand (A>G on the coding strand, the complement: RECQL4 is on the minus strand). VCF-style: chr8-144516483-T-C. GRCh37 (hg19) VCF-style: chr8-145741867-T-C.
Identifiers: ClinVar variation 797958 (VCV000797958.11), dbSNP rs541402387, ClinGen allele CA187689155.

ClinVar aggregate classification (germline): Likely benign. Review status: criteria provided, multiple submitters, no conflicts (2 of 4 stars). 2 submissions from 2 submitters: Likely benign (2). Last evaluated 2026-05-01.

Conditions:
Baller-Gerold syndrome (BGS). Also called: CRANIOSYNOSTOSIS WITH RADIAL DEFECTS. Identifiers: Orphanet 1225, MedGen C0265308, MONDO:0009039, OMIM 218600.

Allele frequency attached by ClinVar (database versions not stated): gnomAD exomes below 0.00001; TOPMed below 0.00001.
gnomAD v4.1: 3 of 1,608,892 alleles (0.00019%); highest among the groups gnomAD compares: Non-Finnish European, 0.000085%; no homozygotes.

Submissions (2):

CeGaT Center for Human Genetics Tuebingen
Classification: Likely benign. Last evaluated: 2026-05-01. Review status: criteria provided, single submitter. Criteria: CeGaT Center For Human Genetics Tuebingen Variant Classification Criteria Version 2. Collection method: clinical testing. Allele origin: germline. Affected: yes. Observed: 1 variant allele.
Comment: RECQL4: BP4, BP7

Labcorp Genetics (formerly Invitae), Labcorp
Classification: Likely benign for Baller-Gerold syndrome. Last evaluated: 2021-08-30. Review status: criteria provided, single submitter. Criteria: Invitae Variant Classification Sherloc (09022015). Collection method: clinical testing. Allele origin: germline.